The following is an entry in ClinVar:

ClinVar aggregate classification (germline): Uncertain significance. Review status: criteria provided, multiple submitters, no conflicts (2 of 4 stars). 2 submissions from 2 submitters: Uncertain significance (2). Last evaluated 2023-12-22.

Conditions:
Proteinuria, chronic benign. Identifiers: MedGen C5394384, MONDO:0030042, OMIM 618884.

gnomAD v4.1: 3 of 1,614,100 alleles (0.00019%); highest among the groups gnomAD compares: East Asian, 0.0022%; no homozygotes.

Submissions (2):

Blueprint Genetics
Classification: Uncertain significance. Last evaluated: 2023-12-22. Review status: criteria provided, single submitter. Criteria: ACMG Guidelines, 2015. Collection method: clinical testing. Allele origin: germline.

3billion
Classification: Uncertain significance for Proteinuria, chronic benign. Last evaluated: 2023-07-18. Review status: criteria provided, single submitter. Criteria: ACMG Guidelines, 2015. Collection method: clinical testing. Allele origin: germline. Affected: yes.
Comment: The variant is not observed in the gnomAD v2.1.1 dataset. Predicted Consequence/Location: Protein truncation variants are a common disease-causing mechanism. Therefore, this variant is classified as VUS according to the recommendation of ACMG/AMP guideline.

NM_001081.4(CUBN):c.4790T>C (p.Leu1597Pro)

Gene: CUBN (cubilin; minus strand). Cytogenetic location: 10p13.
Variant type: single nucleotide variant.
Coding change: c.4790T>C on transcript NM_001081.4 (MANE Select); coding-DNA position 4790, T replaced by C.
Protein change: p.Leu1597Pro; replaces leucine 1597 with proline.
Molecular consequence: missense variant.
Genome position (GRCh38, 1-based): chr10:16,954,454, A>G on the plus strand (T>C on the coding strand, the complement: CUBN is on the minus strand). VCF-style: chr10-16954454-A-G. GRCh37 (hg19) VCF-style: chr10-16996453-A-G.
Other names: short protein forms L1597P.
Identifiers: ClinVar variation 3775744 (VCV003775744.2).